The following is an entry in ClinVar:

NM_020751.3(COG6):c.364C>A (p.Leu122Ile)

Gene: COG6 (component of oligomeric golgi complex 6; plus strand). Cytogenetic location: 13q14.11.
Variant type: single nucleotide variant.
Coding change: c.364C>A on transcript NM_020751.3 (MANE Select); coding-DNA position 364, C replaced by A.
Protein change: p.Leu122Ile; replaces leucine 122 with isoleucine.
Molecular consequence: missense variant. On other transcripts: non-coding transcript variant (1).
Genome position (GRCh38, 1-based): chr13:39,660,876, C>A. VCF-style: chr13-39660876-C-A. GRCh37 (hg19) VCF-style: chr13-40235013-C-A.
Other names: c.364C>A, p.Leu122Ile (NM_001145079.2); short protein forms L122I.
Identifiers: ClinVar variation 3494981 (VCV003494981.3).

ClinVar aggregate classification (germline): Uncertain significance. Review status: criteria provided, multiple submitters, no conflicts (2 of 4 stars). 2 submissions from 2 submitters: Uncertain significance (2). Last evaluated 2025-01-13.

Conditions:
Inborn genetic diseases. Identifiers: MedGen C0950123, MeSH D030342.

gnomAD v4.1: 24 of 1,587,394 alleles (0.0015%); highest among the groups gnomAD compares: African/African-American, 0.02%; no homozygotes.

Submissions (2):

Dasa
Classification: Uncertain significance. Last evaluated: 2025-01-13. Review status: criteria provided, single submitter. Criteria: DASA Assertion Criteria. Collection method: clinical testing. Allele origin: germline.
Comment: NM_020751.3(COG6):c.364C>A (p.Leu122Ile) is a missense variant that results in the substitution of leucine with isoleucine. This variant is rare in population databases. Computational prediction algorithms are consistent with a benign effect. The currently available literature and clinical evidence are not sufficient to establish a definitive association between this variant and the reported condition. Therefore, this variant is classified as a variant of uncertain significance.

Ambry Genetics
Classification: Uncertain significance for Inborn genetic diseases. Last evaluated: 2024-11-09. Review status: criteria provided, single submitter. Criteria: Ambry Variant Classification Scheme 2023. Collection method: clinical testing. Allele origin: germline.